The following is an entry in ClinVar:

ClinVar aggregate classification (germline): Uncertain significance (1 of 4 stars; one submission).

Conditions:
ANK1-related disorder. Also called: ANK1-related condition.

gnomAD v4.1: 18 of 1,614,068 alleles (0.0011%); highest among the groups gnomAD compares: South Asian, 0.0099%; no homozygotes.

Submission:

PreventionGenetics, part of Exact Sciences
Classification: Uncertain significance for ANK1-related condition. Last evaluated: 2026-09-09. Review status: criteria provided, single submitter. Criteria: ACMG Guidelines, 2015. Collection method: clinical testing. Allele origin: germline.
Comment: The ANK1 c.271G>T variant is predicted to result in the amino acid substitution p.Asp91Tyr. To our knowledge, this variant has not been reported in the literature. This variant is reported in 0.0033% of alleles in individuals of South Asian descent in gnomAD. At this time, the clinical significance of this variant is uncertain due to the absence of conclusive functional and genetic evidence.

NM_000037.4(ANK1):c.271G>T (p.Asp91Tyr)

Gene: ANK1 (ankyrin 1; minus strand). Cytogenetic location: 8p11.21.
Variant type: single nucleotide variant.
Coding change: c.271G>T on transcript NM_000037.4 (MANE Select); coding-DNA position 271, G replaced by T.
Protein change: p.Asp91Tyr; replaces aspartic acid 91 with tyrosine.
Molecular consequence: missense variant.
Genome position (GRCh38, 1-based): chr8:41,727,964, C>A on the plus strand (G>T on the coding strand, the complement: ANK1 is on the minus strand). VCF-style: chr8-41727964-C-A. GRCh37 (hg19) VCF-style: chr8-41585482-C-A.
Other names: c.370G>T, p.Asp124Tyr (NM_001142446.2); c.271G>T, p.Asp91Tyr (NM_020475.3, NM_020476.3, NM_020477.3); short protein forms D124Y, D91Y.
Identifiers: ClinVar variation 4981637 (VCV004981637.1).